The following is an entry in ClinVar:

NM_003737.4(DCHS1):c.7214C>T (p.Ser2405Leu)

Gene: DCHS1 (dachsous cadherin-related 1; minus strand). Cytogenetic location: 11p15.4.
Variant type: single nucleotide variant.
Coding change: c.7214C>T on transcript NM_003737.4 (MANE Select); coding-DNA position 7214, C replaced by T.
Protein change: p.Ser2405Leu; replaces serine 2405 with leucine.
Molecular consequence: missense variant.
Genome position (GRCh38, 1-based): chr11:6,624,801, G>A on the plus strand (C>T on the coding strand, the complement: DCHS1 is on the minus strand). VCF-style: chr11-6624801-G-A. GRCh37 (hg19) VCF-style: chr11-6646032-G-A.
Other names: short protein forms S2405L.
Identifiers: ClinVar variation 3720408 (VCV003720408.2).

ClinVar aggregate classification (germline): Uncertain significance (1 of 4 stars; one submission).

gnomAD v4.1: 1 of 1,613,918 alleles (0.000062%); highest among the groups gnomAD compares: Non-Finnish European, 0.000085%; no homozygotes.

Submission:

Labcorp Genetics (formerly Invitae), Labcorp
Classification: Uncertain significance. Last evaluated: 2024-09-27. Review status: criteria provided, single submitter. Criteria: Invitae Variant Classification Sherloc (09022015). Collection method: clinical testing. Allele origin: germline.
Comment: This sequence change replaces serine, which is neutral and polar, with leucine, which is neutral and non-polar, at codon 2405 of the DCHS1 protein (p.Ser2405Leu). This variant is not present in population databases (gnomAD no frequency). This variant has not been reported in the literature in individuals affected with DCHS1-related conditions. Invitae Evidence Modeling of protein sequence and biophysical properties (such as structural, functional, and spatial information, amino acid conservation, physicochemical variation, residue mobility, and thermodynamic stability) indicates that this missense variant is not expected to disrupt DCHS1 protein function with a negative predictive value of 80%. In summary, the available evidence is currently insufficient to determine the role of this variant in disease. Therefore, it has been classified as a Variant of Uncertain Significance.